The following is an entry in ClinVar:

ClinVar aggregate classification (germline): Likely benign (1 of 4 stars; one submission).

Submission:

CeGaT Center for Human Genetics Tuebingen
Classification: Likely benign. Last evaluated: 2022-10-01. Review status: criteria provided, single submitter. Criteria: CeGaT Center For Human Genetics Tuebingen Variant Classification Criteria Version 2. Collection method: clinical testing. Allele origin: germline. Affected: yes. Observed: 1 variant allele.
Comment: ZNF568: PM2:Supporting, BP4, BP7

NM_198539.4(ZNF568):c.1608G>C (p.Gly536=)

Gene: ZNF568 (zinc finger protein 568; plus strand). Cytogenetic location: 19q13.12.
Variant type: single nucleotide variant.
Coding change: c.1608G>C on transcript NM_198539.4 (MANE Select); coding-DNA position 1608, G replaced by C.
Protein change: p.Gly536=; no amino-acid change (glycine 536 retained).
Molecular consequence: synonymous variant. On other transcripts: intron variant (2).
Genome position (GRCh38, 1-based): chr19:36,950,761, G>C. VCF-style: chr19-36950761-G-C. GRCh37 (hg19) VCF-style: chr19-37441663-G-C.
Other names: c.1605G>C, p.Gly535= (NM_001204835.3); c.1416G>C, p.Gly472= (NM_001204836.2, NM_001204837.2); c.358+13519G>C (NM_001204838.2); c.166+13519G>C (NM_001204839.2).
Identifiers: ClinVar variation 2649767 (VCV002649767.24), dbSNP rs1427550051, ClinGen allele CA507329227.